The following is an entry in ClinVar:

NM_001009999.3(KDM1A):c.2228G>A (p.Ser743Asn)

Gene: KDM1A (lysine demethylase 1A; plus strand). Cytogenetic location: 1p36.12.
Variant type: single nucleotide variant.
Coding change: c.2228G>A on transcript NM_001009999.3 (MANE Select); coding-DNA position 2228, G replaced by A.
Protein change: p.Ser743Asn; replaces serine 743 with asparagine.
Molecular consequence: missense variant.
Genome position (GRCh38, 1-based): chr1:23,081,503, G>A. VCF-style: chr1-23081503-G-A. GRCh37 (hg19) VCF-style: chr1-23407996-G-A.
Other names: c.2174G>A, p.Ser725Asn (NM_001363654.2); c.2234G>A, p.Ser745Asn (NM_001410762.1); c.2156G>A, p.Ser719Asn (NM_001410763.1, NM_015013.4); short protein forms S725N, S719N, S743N, S745N.
Identifiers: ClinVar variation 3863207 (VCV003863207.1).

ClinVar aggregate classification (germline): Uncertain significance (1 of 4 stars; one submission).

Conditions:
Inborn genetic diseases. Identifiers: MedGen C0950123, MeSH D030342.

gnomAD v4.1: 1 of 1,614,060 alleles (0.000062%); highest among the groups gnomAD compares: Non-Finnish European, 0.000085%; no homozygotes.

Submission:

Ambry Genetics
Classification: Uncertain significance for Inborn genetic diseases. Last evaluated: 2024-12-16. Review status: criteria provided, single submitter. Criteria: Ambry Variant Classification Scheme 2023. Collection method: clinical testing. Allele origin: germline.
Comment: The p.S743N variant (also known as c.2228G>A), located in coding exon 19 of the KDM1A gene, results from a G to A substitution at nucleotide position 2228. The serine at codon 743 is replaced by asparagine, an amino acid with highly similar properties. This amino acid position is conserved. In addition, the in silico prediction for this alteration is inconclusive. Based on the available evidence, the clinical significance of this variant remains unclear.